The following is an entry in ClinVar:

NM_005199.5(CHRNG):c.921-12C>T

Gene: CHRNG (cholinergic receptor nicotinic gamma subunit; plus strand). Cytogenetic location: 2q37.1.
Variant type: single nucleotide variant.
Coding change: c.921-12C>T on transcript NM_005199.5 (MANE Select); 12 bases into the intron before coding-DNA position 921, C replaced by T.
Molecular consequence: intron variant.
Genome position (GRCh38, 1-based): chr2:232,543,573, C>T. VCF-style: chr2-232543573-C-T. GRCh37 (hg19) VCF-style: chr2-233408283-C-T.
Identifiers: ClinVar variation 259670 (VCV000259670.12), dbSNP rs13018423, ClinGen allele CA2168863.

ClinVar aggregate classification (germline): Benign. Review status: criteria provided, multiple submitters, no conflicts (2 of 4 stars). 6 submissions from 5 submitters: Benign (6). Last evaluated 2026-02-04.

Conditions:
Autosomal recessive multiple pterygium syndrome. Also called: PTERYGIUM COLLI SYNDROME; PTERYGIUM SYNDROME; PTERYGIUM UNIVERSALE; MULTIPLE PTERYGIUM SYNDROME, ESCOBAR VARIANT. Identifiers: Orphanet 2990, MedGen C0265261, MONDO:0009926, OMIM 265000.
Lethal multiple pterygium syndrome (LMPS). Identifiers: Orphanet 33108, MedGen C1854678, MONDO:0009668, OMIM 253290.

Allele frequency attached by ClinVar (database versions not stated): TOPMed 0.24752; 1000 Genomes Project 0.29732; ExAC 0.30894; ESP Exome Variant Server 0.21828; gnomAD 0.22363; 1000 Genomes Project 30x 0.29388.
gnomAD v4.1: 423,510 of 1,566,898 alleles (27%); highest among the groups gnomAD compares: East Asian, 44%; 61,471 homozygotes.

Submissions (6):

Labcorp Genetics (formerly Invitae), Labcorp
Classification: Benign. Last evaluated: 2026-02-04. Review status: criteria provided, single submitter. Criteria: Invitae Variant Classification Sherloc (09022015). Collection method: clinical testing. Allele origin: germline.

GeneDx
Classification: Benign. Last evaluated: 2019-10-21. Review status: criteria provided, single submitter. Criteria: GeneDx Variant Classification Process June 2021. Collection method: clinical testing. Allele origin: germline. Affected: yes.

Illumina Laboratory Services, Illumina
Classification: Benign for Lethal multiple pterygium syndrome. Last evaluated: 2018-01-12. Review status: criteria provided, single submitter. Criteria: ICSL Variant Classification Criteria 13 December 2019. Collection method: clinical testing. Allele origin: germline.
Comment: This variant was observed in the ICSL laboratory as part of a predisposition screen in an ostensibly healthy population. It had not been previously curated by ICSL or reported in the Human Gene Mutation Database (HGMD: prior to June 1st, 2018), and was therefore a candidate for classification through an automated scoring system. Utilizing variant allele frequency, disease prevalence and penetrance estimates, and inheritance mode, an automated score was calculated to assess if this variant is too frequent to cause the disease. Based on the score and internal cut-off values, a variant classified as benign is not then subjected to further curation. The score for this variant resulted in a classification of benign for this disease.

Illumina Laboratory Services, Illumina
Classification: Benign for Autosomal recessive multiple pterygium syndrome. Last evaluated: 2018-01-12. Review status: criteria provided, single submitter. Criteria: ICSL Variant Classification Criteria 13 December 2019. Collection method: clinical testing. Allele origin: germline.
Comment: the same text as in the submission from Illumina Laboratory Services, Illumina above.

Breakthrough Genomics
Classification: Benign. Review status: criteria provided, single submitter. Criteria: ACMG Guidelines, 2015. Collection method: not provided. Allele origin: germline. Inheritance: Autosomal recessive inheritance. Affected: yes.

PreventionGenetics, part of Exact Sciences
Classification: Benign. Review status: criteria provided, single submitter. Criteria: ACMG Guidelines, 2015. Collection method: clinical testing. Allele origin: germline.